The following is an entry in ClinVar:

NM_000384.3(APOB):c.5313C>A (p.Asp1771Glu)

Gene: APOB (apolipoprotein B; minus strand). Cytogenetic location: 2p24.1.
Variant type: single nucleotide variant.
Coding change: c.5313C>A on transcript NM_000384.3 (MANE Select); coding-DNA position 5313, C replaced by A.
Protein change: p.Asp1771Glu; replaces aspartic acid 1771 with glutamic acid.
Molecular consequence: missense variant.
Genome position (GRCh38, 1-based): chr2:21,011,555, G>T on the plus strand (C>A on the coding strand, the complement: APOB is on the minus strand). VCF-style: chr2-21011555-G-T. GRCh37 (hg19) VCF-style: chr2-21234427-G-T.
Other names: short protein forms D1771E.
Identifiers: ClinVar variation 2939940 (VCV002939940.3), dbSNP rs758244148, ClinGen allele CA346004999.
Genomic context (GRCh38, chr2:21,011,555, plus strand): 5'-ATAGGGCTGTAGCTGTAAATTAACAGTTTGCTTATAAAACTTGTCAGAGCTGTAAATGTT[G>T]TCAAGTTTTGAAGAGAAGTCCAGTGATAAGCCTGCAATGTTCAGACTGTTTGTGTGGTCA-3'
Protein context (NP_000375.3, residues 1761-1781): GLSLDFSSKL[Asp1771Glu]NIYSSDKFYK

ClinVar aggregate classification (germline): Uncertain significance. Review status: criteria provided, multiple submitters, no conflicts (2 of 4 stars). 2 submissions from 2 submitters: Uncertain significance (2). Last evaluated 2025-12-16.

Conditions:
Cardiovascular phenotype. Identifiers: MedGen CN230736.
Familial hypobetalipoproteinemia 1. Also called: APOB-Related Familial Hypobetalipoproteinemia; Hypobetalipoproteinemia, normotriglyceridemic; Acanthocytosis with hypobetalipoproteinemia. Identifiers: MedGen C4551990, MONDO:0014252, OMIM 615558.
Hypercholesterolemia, autosomal dominant, type B (FHCL2). Also called: Familial Hypercholesterolemia Type B; APOLIPOPROTEIN B-100, FAMILIAL DEFECTIVE; APOLIPOPROTEIN B-100, FAMILIAL LIGAND-DEFECTIVE; HYPERCHOLESTEROLEMIA, FAMILIAL, DUE TO LIGAND-DEFECTIVE APOLIPOPROTEIN B; Hyperlipoproteinemia Type IIb; Familial hypercholesterolemia 2. Identifiers: MedGen C1704417, MONDO:0007751, OMIM 144010.

Allele frequency attached by ClinVar (database versions not stated): gnomAD exomes below 0.00001 and 0.00001; TOPMed 0.00001 and 0.00002; gnomAD 0.00003.

Submissions (2):

Labcorp Genetics (formerly Invitae), Labcorp
Classification: Uncertain significance for Familial hypobetalipoproteinemia 1; Hypercholesterolemia, autosomal dominant, type B. Last evaluated: 2025-12-16. Review status: criteria provided, single submitter. Criteria: Invitae Variant Classification Sherloc (09022015). Collection method: clinical testing. Allele origin: germline.
Comment: This sequence change replaces aspartic acid, which is acidic and polar, with glutamic acid, which is acidic and polar, at codon 1771 of the APOB protein (p.Asp1771Glu). This variant is present in population databases (no rsID available, gnomAD 0.0009%). This missense change has been observed in individual(s) with familial hypercholesterolemia (PMID: 37217153). ClinVar contains an entry for this variant (Variation ID: 2939940). Invitae Evidence Modeling of protein sequence and biophysical properties (such as structural, functional, and spatial information, amino acid conservation, physicochemical variation, residue mobility, and thermodynamic stability) indicates that this missense variant is not expected to disrupt APOB protein function with a negative predictive value of 95%. In summary, the available evidence is currently insufficient to determine the role of this variant in disease. Therefore, it has been classified as a Variant of Uncertain Significance.

Ambry Genetics
Classification: Uncertain significance for Cardiovascular phenotype. Last evaluated: 2024-03-19. Review status: criteria provided, single submitter. Criteria: Ambry Variant Classification Scheme 2023. Collection method: clinical testing. Allele origin: germline.

Literature cited by the submitters: PubMed 37217153 (cited by Labcorp Genetics (formerly Invitae), Labcorp).